The following is an entry in ClinVar:

ClinVar aggregate classification (germline): Pathogenic. Review status: criteria provided, multiple submitters, no conflicts (2 of 4 stars). 3 submissions from 3 submitters: Pathogenic (3). Last evaluated 2023-06-17.

Conditions:
Autosomal recessive limb-girdle muscular dystrophy type 2O. Also called: MUSCULAR DYSTROPHY-DYSTROGLYCANOPATHY (LIMB-GIRDLE), TYPE C, 3; MUSCULAR DYSTROPHY-DYSTROGLYCANOPATHY, LIMB-GIRDLE, POMGNT1-RELATED; Limb-Girdle Muscular Dystrophy Type 3C. Identifiers: Orphanet 206564, MedGen C3150417, MONDO:0013161, OMIM 613157.
Muscular dystrophy-dystroglycanopathy (congenital with impaired intellectual development), type B, 3. Also called: Muscular dystrophy-dystroglycanopathy (congenital with intellectual disability), type B3; MUSCULAR DYSTROPHY, CONGENITAL, POMGNT1-RELATED. Identifiers: MedGen C3150412, MONDO:0013155, OMIM 613151.
Muscle eye brain disease (MEB). Also called: Santavuori congenital muscular dystrophy. Identifiers: Orphanet 588, Orphanet 899, MedGen C0457133, MONDO:0018939.
Muscular dystrophy-dystroglycanopathy (congenital with brain and eye anomalies), type A3. Also called: Muscular dystrophy-dystroglycanopathy (congenital with brain and eye anomalies), type A, 3; Congenital muscular dystrophy-dystroglycanopathy with brain and eye anomalies, type A3; WALKER-WARBURG SYNDROME OR MUSCLE-EYE-BRAIN DISEASE, POMGNT1-RELATED. Identifiers: MedGen C3151519, MONDO:0009667, OMIM 253280.

Submissions (3):

Labcorp Genetics (formerly Invitae), Labcorp
Classification: Pathogenic for Autosomal recessive limb-girdle muscular dystrophy type 2O; Muscular dystrophy-dystroglycanopathy (congenital with impaired intellectual development), type B, 3. Last evaluated: 2023-06-17. Review status: criteria provided, single submitter. Criteria: Invitae Variant Classification Sherloc (09022015). Collection method: clinical testing. Allele origin: germline.
Comment: This sequence change creates a premature translational stop signal (p.Glu102*) in the POMGNT1 gene. It is expected to result in an absent or disrupted protein product. Loss-of-function variants in POMGNT1 are known to be pathogenic (PMID: 19299310, 20816175, 21447391, 26908613, 27391550). This variant is not present in population databases (gnomAD no frequency). This premature translational stop signal has been observed in individual(s) with clinical features of POMGNT1-related conditions (PMID: 34324503). ClinVar contains an entry for this variant (Variation ID: 984973). Algorithms developed to predict the effect of sequence changes on RNA splicing suggest that this variant may disrupt the consensus splice site. For these reasons, this variant has been classified as Pathogenic.

Baylor Genetics
Classification: Pathogenic for Muscular dystrophy-dystroglycanopathy (congenital with brain and eye anomalies), type A3. Last evaluated: 2022-08-27. Review status: criteria provided, single submitter. Criteria: ACMG Guidelines, 2015. Collection method: clinical testing. Allele origin: unknown.

Cytogenetics and Genomics Lab, Cyprus Institute Of Neurology and Genetics
Classification: Pathogenic for Muscular dystrophy-dystroglycanopathy (congenital with brain and eye anomalies), type A3. Last evaluated: 2020-04-10. Review status: criteria provided, single submitter. Criteria: ACMG Guidelines, 2015. Collection method: research. Allele origin: maternal. Inheritance: Autosomal recessive inheritance. Affected: yes. Observed: 1 compound heterozygote.

Literature cited by the submitters: PubMed 19299310 (cited by Labcorp Genetics (formerly Invitae), Labcorp); PubMed 20816175 (cited by Labcorp Genetics (formerly Invitae), Labcorp); PubMed 21447391 (cited by Labcorp Genetics (formerly Invitae), Labcorp); PubMed 26908613 (cited by Labcorp Genetics (formerly Invitae), Labcorp); PubMed 27391550 (cited by Labcorp Genetics (formerly Invitae), Labcorp); PubMed 34324503 (cited by Labcorp Genetics (formerly Invitae), Labcorp); PubMed 28688748 (cited by Cytogenetics and Genomics Lab, Cyprus Institute Of Neurology and Genetics).

NM_017739.4(POMGNT1):c.304G>T (p.Glu102Ter)

Gene: POMGNT1 (protein O-linked mannose N-acetylglucosaminyltransferase 1 (beta 1,2-); minus strand). Cytogenetic location: 1p34.1.
Variant type: single nucleotide variant.
Coding change: c.304G>T on transcript NM_017739.4 (MANE Select); coding-DNA position 304, G replaced by T.
Protein change: p.Glu102Ter; replaces glutamic acid 102 with a stop codon.
Molecular consequence: nonsense. On other transcripts: 5 prime UTR variant (1).
Genome position (GRCh38, 1-based): chr1:46,196,781, C>A on the plus strand (G>T on the coding strand, the complement: POMGNT1 is on the minus strand). VCF-style: chr1-46196781-C-A. GRCh37 (hg19) VCF-style: chr1-46662453-C-A.
Other names: c.304G>T, p.Glu102Ter (NM_001243766.2, NM_001410783.1); c.238G>T, p.Glu80Ter (NM_001290129.3); c.-126G>T (NM_001290130.2); short protein forms E102*, E80*.
Identifiers: ClinVar variation 984973 (VCV000984973.7), dbSNP rs749603354, ClinGen allele CA340191630.
Genomic context (GRCh38, chr1:46,196,781, plus strand): 5'-GCCCACTGACCGTGGTGCCATCCACTGCCACATATACTTTGCTGCGACTTGAATACACCT[C>A]TACGTCCAGGACCCGCCGGGGACCACTGCCTCTGCGCCGTGGGGGCTCCAGGCGGCCTAG-3'